The following is an entry in ClinVar:

ClinVar aggregate classification (germline): Uncertain significance (1 of 4 stars; one submission).

Conditions:
Catecholaminergic polymorphic ventricular tachycardia 1. Also called: VENTRICULAR TACHYCARDIA, STRESS-INDUCED POLYMORPHIC 1; VENTRICULAR TACHYCARDIA, CATECHOLAMINERGIC POLYMORPHIC, 1, WITH OR WITHOUT ATRIAL DYSFUNCTION AND/OR DILATED CARDIOMYOPATHY; RYR2-Related Catecholaminergic Polymorphic Ventricular Tachycardia. Identifiers: Orphanet 3286, MedGen C1631597, MONDO:0011484, OMIM 604772.

Submission:

Labcorp Genetics (formerly Invitae), Labcorp
Classification: Uncertain significance for Catecholaminergic polymorphic ventricular tachycardia 1. Last evaluated: 2025-03-25. Review status: criteria provided, single submitter. Criteria: Invitae Variant Classification Sherloc (09022015). Collection method: clinical testing. Allele origin: germline.
Comment: This sequence change replaces histidine, which is basic and polar, with arginine, which is basic and polar, at codon 3560 of the RYR2 protein (p.His3560Arg). This variant is not present in population databases (gnomAD no frequency). This variant has not been reported in the literature in individuals affected with RYR2-related conditions. ClinVar contains an entry for this variant (Variation ID: 2139282). Invitae Evidence Modeling of protein sequence and biophysical properties (such as structural, functional, and spatial information, amino acid conservation, physicochemical variation, residue mobility, and thermodynamic stability) has been performed for this missense variant. However, the output from this modeling did not meet the statistical confidence thresholds required to predict the impact of this variant on RYR2 protein function. In summary, the available evidence is currently insufficient to determine the role of this variant in disease. Therefore, it has been classified as a Variant of Uncertain Significance.

NM_001035.3(RYR2):c.10679A>G (p.His3560Arg)

Gene: RYR2 (ryanodine receptor 2; plus strand). Cytogenetic location: 1q43.
Variant type: single nucleotide variant.
Coding change: c.10679A>G on transcript NM_001035.3 (MANE Select); coding-DNA position 10679, A replaced by G.
Protein change: p.His3560Arg; replaces histidine 3560 with arginine.
Molecular consequence: missense variant.
Genome position (GRCh38, 1-based): chr1:237,723,252, A>G. VCF-style: chr1-237723252-A-G. GRCh37 (hg19) VCF-style: chr1-237886552-A-G.
Other names: short protein forms H3560R.
Identifiers: ClinVar variation 2139282 (VCV002139282.4), dbSNP rs2547479737, ClinGen allele CA345416239.
Genomic context (GRCh38, chr1:237,723,252, plus strand): 5'-ATACCTCAGATCCAGAGAAGACGGTAGAAAGAGTATTGGATATAGCAAATGTGCTTTTTC[A>G]TCTTGAACAGGTCAGGCTTTGTGTCAATTCAATCATATTTGCCTTAGCCACATACAAATA-3'
Protein context (NP_001026.2, residues 3550-3570): RVLDIANVLF[His3560Arg]LEQKSKRVGR